The following is an entry in ClinVar:

NC_000022.10:g.(?_24129357)_(24130008_?)dup

Gene: SMARCB1 (SWI/SNF related BAF chromatin remodeling complex subunit B1; plus strand). Cytogenetic location: 22q11.23.
Variant type: Duplication.
Identifiers: ClinVar variation 1003649 (VCV001003649.2).

ClinVar aggregate classification (germline): Uncertain significance (1 of 4 stars; one submission).

Submission:

Labcorp Genetics (formerly Invitae), Labcorp
Classification: Uncertain significance. Last evaluated: 2022-02-19. Review status: criteria provided, single submitter. Criteria: Invitae Variant Classification Sherloc (09022015). Collection method: clinical testing. Allele origin: germline.
Comment: This variant results in a copy number gain of the genomic region encompassing exon(s) 1 of the SMARCB1 gene. This region includes the initiator codon of the gene. This copy number gain extends beyond the assayed region for this gene and therefore may encompass additional genes. As the precise location of this event is unknown, it may be in tandem or it may be located elsewhere in the genome. This variant has not been reported in the literature in individuals affected with SMARCB1-related conditions. Experimental studies and prediction algorithms are not available or were not evaluated, and the functional significance of this variant is currently unknown. In summary, the available evidence is currently insufficient to determine the role of this variant in disease. Therefore, it has been classified as a Variant of Uncertain Significance.